The following is an entry in ClinVar:

NM_032119.4(ADGRV1):c.4820A>G (p.His1607Arg)

Gene: ADGRV1 (adhesion G protein-coupled receptor V1; plus strand). Cytogenetic location: 5q14.3.
Variant type: single nucleotide variant.
Coding change: c.4820A>G on transcript NM_032119.4 (MANE Select); coding-DNA position 4820, A replaced by G.
Protein change: p.His1607Arg; replaces histidine 1607 with arginine.
Molecular consequence: missense variant. On other transcripts: non-coding transcript variant (1).
Genome position (GRCh38, 1-based): chr5:90,672,613, A>G. VCF-style: chr5-90672613-A-G. GRCh37 (hg19) VCF-style: chr5-89968430-A-G.
Other names: c.4820A>G (NM_032119.3); short protein forms H1607R.
Identifiers: ClinVar variation 1047719 (VCV001047719.9), dbSNP rs777111873, ClinGen allele CA3339418.
Genomic context (GRCh38, chr5:90,672,613, plus strand): 5'-AGGAGGGATCAACCATTTCTTGTGTGGTTGAGAGAACCAGAGGAGCTCTGGATTATGTGC[A>G]TGTTTTTTACACCATTTCACAGATTGAAACTGATGGCATTAATTACCTTGTTGATGACTT-3'
Protein context (NP_115495.3, residues 1597-1617): ERTRGALDYV[His1607Arg]VFYTISQIET

ClinVar aggregate classification (germline): Uncertain significance. Review status: criteria provided, multiple submitters, no conflicts (2 of 4 stars). 2 submissions from 2 submitters: Uncertain significance (2). Last evaluated 2025-09-25.

Conditions:
Inborn genetic diseases. Identifiers: MedGen C0950123, MeSH D030342.

Allele frequency attached by ClinVar (database versions not stated): gnomAD exomes below 0.00001; ExAC 0.00001; TOPMed 0.00001.
gnomAD v4.1: 13 of 1,613,828 alleles (0.00081%); highest among the groups gnomAD compares: Non-Finnish European, 0.0011%; no homozygotes.

Submissions (2):

Ambry Genetics
Classification: Uncertain significance for Inborn genetic diseases. Last evaluated: 2025-09-25. Review status: criteria provided, single submitter. Criteria: Ambry Variant Classification Scheme 2023. Collection method: clinical testing. Allele origin: germline.

Labcorp Genetics (formerly Invitae), Labcorp
Classification: Uncertain significance. Last evaluated: 2025-01-13. Review status: criteria provided, single submitter. Criteria: Invitae Variant Classification Sherloc (09022015). Collection method: clinical testing. Allele origin: germline.
Comment: This sequence change replaces histidine, which is basic and polar, with arginine, which is basic and polar, at codon 1607 of the ADGRV1 protein (p.His1607Arg). This variant is present in population databases (rs777111873, gnomAD 0.0009%). This variant has not been reported in the literature in individuals affected with ADGRV1-related conditions. ClinVar contains an entry for this variant (Variation ID: 1047719). Invitae Evidence Modeling of protein sequence and biophysical properties (such as structural, functional, and spatial information, amino acid conservation, physicochemical variation, residue mobility, and thermodynamic stability) indicates that this missense variant is not expected to disrupt ADGRV1 protein function with a negative predictive value of 95%. In summary, the available evidence is currently insufficient to determine the role of this variant in disease. Therefore, it has been classified as a Variant of Uncertain Significance.